The following is an entry in ClinVar:

ClinVar aggregate classification (germline): Pathogenic (1 of 4 stars; one submission).

Submission:

Labcorp Genetics (formerly Invitae), Labcorp
Classification: Pathogenic. Last evaluated: 2023-08-04. Review status: criteria provided, single submitter. Criteria: Invitae Variant Classification Sherloc (09022015). Collection method: clinical testing. Allele origin: germline.
Comment: This variant has not been reported in the literature in individuals affected with ALDH3A2-related conditions. For these reasons, this variant has been classified as Pathogenic. Algorithms developed to predict the effect of sequence changes on RNA splicing suggest that this variant may disrupt the consensus splice site. ClinVar contains an entry for this variant (Variation ID: 1401504). This variant is not present in population databases (gnomAD no frequency). This sequence change creates a premature translational stop signal (p.Leu370Serfs*4) in the ALDH3A2 gene. It is expected to result in an absent or disrupted protein product. Loss-of-function variants in ALDH3A2 are known to be pathogenic (PMID: 10577908, 10854114).

Literature cited by the submitters: PubMed 10577908; PubMed 10854114.

NM_000382.3(ALDH3A2):c.1108_1111del (p.Leu370fs)

Gene: ALDH3A2 (aldehyde dehydrogenase 3 family member A2; plus strand). Cytogenetic location: 17p11.2.
Variant type: Deletion.
Coding change: c.1108_1111del on transcript NM_000382.3 (MANE Select); coding-DNA positions 1108 to 1111, 4 bases deleted (CTCA; older notation c.1108_1111delCTCA).
Protein change: p.Leu370fs; shifts the reading frame from leucine 370.
Molecular consequence: frameshift variant.
Genome position (GRCh38, 1-based): chr17:19,664,948-19,664,951, CTCA deleted. VCF-style (leftmost placement, unchanged base first): chr17-19664947-GCTCA-G. GRCh37 (hg19) VCF-style: chr17-19568260-GCTCA-G.
Other names: c.1108_1111del, p.Leu370fs (NM_001031806.2, NM_001369136.1, NM_001369137.2 and 3 more transcripts); c.529_532del, p.Leu177fs (NM_001369148.2); short protein forms L370fs, L177fs.
Identifiers: ClinVar variation 1401504 (VCV001401504.6), dbSNP rs2152331137, ClinGen allele CA2573153153.